The following is an entry in ClinVar:

NM_000146.4(FTL):c.194G>A (p.Arg65His)

Gene: FTL (ferritin light chain; plus strand). Cytogenetic location: 19q13.33.
Variant type: single nucleotide variant.
Coding change: c.194G>A on transcript NM_000146.4 (MANE Select); coding-DNA position 194, G replaced by A.
Protein change: p.Arg65His; replaces arginine 65 with histidine.
Molecular consequence: missense variant.
Genome position (GRCh38, 1-based): chr19:48,965,861, G>A. VCF-style: chr19-48965861-G-A. GRCh37 (hg19) VCF-style: chr19-49469118-G-A.
Other names: short protein forms R65H.
Identifiers: ClinVar variation 534233 (VCV000534233.9), dbSNP rs1555797038, ClinGen allele CA406756400.
Genomic context (GRCh38, chr19:48,965,861, plus strand): 5'-TGGAAGGCGTGAGCCACTTCTTCCGCGAATTGGCCGAGGAGAAGCGCGAGGGCTACGAGC[G>A]TCTCCTGAAGATGCAAAACCAGCGTGGCGGCCGCGCTCTCTTCCAGGACATCAAGGTAAC-3'
Protein context (NP_000137.2, residues 55-75): LAEEKREGYE[Arg65His]LLKMQNQRGG

ClinVar aggregate classification (germline): Uncertain significance (1 of 4 stars; one submission).

Conditions:
Hereditary hyperferritinemia with congenital cataracts. Also called: HYPERFERRITINEMIA WITH OR WITHOUT CATARACT; Hereditary hyperferritinemia cataract syndrome; Bonneau-Beaumont syndrome. Identifiers: Orphanet 163, MedGen C1833213, MONDO:0010952, OMIM 600886.
Neuroferritinopathy (NBIA3). Also called: NEURODEGENERATION WITH BRAIN IRON ACCUMULATION 3; BASAL GANGLIA DISEASE, ADULT-ONSET. Identifiers: Orphanet 157846, MedGen C1853578, MONDO:0011638, OMIM 606159.

Submission:

Labcorp Genetics (formerly Invitae), Labcorp
Classification: Uncertain significance for Neuroferritinopathy; Hereditary hyperferritinemia with congenital cataracts. Last evaluated: 2022-05-08. Review status: criteria provided, single submitter. Criteria: Invitae Variant Classification Sherloc (09022015). Collection method: clinical testing. Allele origin: germline.
Comment: This sequence change replaces arginine, which is basic and polar, with histidine, which is basic and polar, at codon 65 of the FTL protein (p.Arg65His). This variant is not present in population databases (gnomAD no frequency). This variant has not been reported in the literature in individuals affected with FTL-related conditions. ClinVar contains an entry for this variant (Variation ID: 534233). Algorithms developed to predict the effect of missense changes on protein structure and function output the following: SIFT: "Tolerated"; PolyPhen-2: "Benign"; Align-GVGD: "Class C0". The histidine amino acid residue is found in multiple mammalian species, which suggests that this missense change does not adversely affect protein function. In summary, the available evidence is currently insufficient to determine the role of this variant in disease. Therefore, it has been classified as a Variant of Uncertain Significance.